The following is an entry in ClinVar:

NM_014874.4(MFN2):c.49A>G (p.Asn17Asp)

Gene: MFN2 (mitofusin 2; plus strand). Cytogenetic location: 1p36.22.
Variant type: single nucleotide variant.
Coding change: c.49A>G on transcript NM_014874.4 (MANE Select); coding-DNA position 49, A replaced by G.
Protein change: p.Asn17Asp; replaces asparagine 17 with aspartic acid.
Molecular consequence: missense variant.
Genome position (GRCh38, 1-based): chr1:11,989,217, A>G. VCF-style: chr1-11989217-A-G. GRCh37 (hg19) VCF-style: chr1-12049274-A-G.
Other names: c.49A>G (NM_014874.3); c.49A>G, p.Asn17Asp (NM_001127660.2); short protein forms N17D.
Identifiers: ClinVar variation 1651660 (VCV001651660.9), dbSNP rs772477199, ClinGen allele CA598732.

ClinVar aggregate classification (germline): Conflicting classifications of pathogenicity. Review status: criteria provided, conflicting classifications (1 of 4 stars). 2 submissions from 2 submitters: Uncertain significance (1); Likely benign (1). Last evaluated 2025-09-11.

Conditions:
MFN2-related disorder. Also called: MFN2-related condition; MFN2-related disorders.
Charcot-Marie-Tooth disease type 2. Also called: Charcot-Marie-Tooth type 2. Identifiers: Orphanet 64746, MedGen C0270914, MONDO:0018993.

Allele frequency attached by ClinVar (database versions not stated): gnomAD 0.00001; gnomAD exomes 0.00001 and 0.00003; TOPMed 0.00001; ExAC 0.00002.
gnomAD v4.1: 7 of 1,613,976 alleles (0.00043%); highest among the groups gnomAD compares: East Asian, 0.016%; no homozygotes.

Submissions (2):

PreventionGenetics, part of Exact Sciences
Classification: Uncertain significance for MFN2-related condition. Last evaluated: 2025-09-11. Review status: criteria provided, single submitter. Criteria: ACMG Guidelines, 2015. Collection method: clinical testing. Allele origin: germline.
Comment: The MFN2 c.49A>G variant is predicted to result in the amino acid substitution p.Asn17Asp. To our knowledge, this variant has not been reported in the literature. This variant is reported in 0.040% of alleles in individuals of East Asian descent in gnomAD. At this time, the clinical significance of this variant is uncertain due to the absence of conclusive functional and genetic evidence.

Labcorp Genetics (formerly Invitae), Labcorp
Classification: Likely benign for Charcot-Marie-Tooth disease type 2. Last evaluated: 2024-01-02. Review status: criteria provided, single submitter. Criteria: Invitae Variant Classification Sherloc (09022015). Collection method: clinical testing. Allele origin: germline.